The following is an entry in ClinVar:

NM_001242896.3(DEPDC5):c.574T>A (p.Phe192Ile)

Gene: DEPDC5 (DEP domain containing 5, GATOR1 subcomplex subunit; plus strand). Cytogenetic location: 22q12.2.
Variant type: single nucleotide variant.
Coding change: c.574T>A on transcript NM_001242896.3 (MANE Select); coding-DNA position 574, T replaced by A.
Protein change: p.Phe192Ile; replaces phenylalanine 192 with isoleucine.
Molecular consequence: missense variant. On other transcripts: non-coding transcript variant (5).
Genome position (GRCh38, 1-based): chr22:31,784,825, T>A. VCF-style: chr22-31784825-T-A. GRCh37 (hg19) VCF-style: chr22-32180811-T-A.
Other names: c.574T>A, p.Phe192Ile (NM_001007188.4, NM_001136029.4, NM_001242897.2 and 7 more transcripts); c.490T>A, p.Phe164Ile (NM_001369901.1, NM_001369902.1); short protein forms F164I, F192I.
Identifiers: ClinVar variation 3353418 (VCV003353418.1).

ClinVar aggregate classification (germline): Uncertain significance (0 of 4 stars; one submission).

Conditions:
DEPDC5-related disorder. Also called: DEPDC5-related related disorder; DEPDC5-related condition.

Submission:

PreventionGenetics, part of Exact Sciences
Classification: Uncertain significance for DEPDC5-related condition. Last evaluated: 2024-05-24. Review status: no assertion criteria provided. Collection method: clinical testing. Allele origin: germline.
Comment: The DEPDC5 c.574T>A variant is predicted to result in the amino acid substitution p.Phe192Ile. To our knowledge, this variant has not been reported in the literature or in a large population database, indicating this variant is rare. At this time, the clinical significance of this variant is uncertain due to the absence of conclusive functional and genetic evidence.